The following is an entry in ClinVar:

NM_005751.5(AKAP9):c.4997T>G (p.Leu1666Arg)

Genes: AKAP9 (A-kinase anchoring protein 9; plus strand), LOC121175350 (Sharpr-MPRA regulatory region 2641; plus strand). Cytogenetic location: 7q21.2.
Variant type: single nucleotide variant.
Coding change: c.4997T>G on transcript NM_005751.5 (MANE Select); coding-DNA position 4997, T replaced by G.
Protein change: p.Leu1666Arg; replaces leucine 1666 with arginine.
Molecular consequence: missense variant.
Genome position (GRCh38, 1-based): chr7:92,042,125, T>G. VCF-style: chr7-92042125-T-G. GRCh37 (hg19) VCF-style: chr7-91671439-T-G.
Other names: c.4997T>G, p.Leu1666Arg (NM_147185.3); short protein forms L1666R.
Identifiers: ClinVar variation 4265304 (VCV004265304.1).
Genomic context (GRCh38, chr7:92,042,125, plus strand): 5'-AAAACCTGGTTTCAGAGAGAGAGAGGGTGCTTTTAGAGGAGCTGGAAGCACTAAAGCAGC[T>G]GTCTTTAGCTGGAAGAGAGAAGCTGTGTTGTGAGCTGCGCAACAGCAGTACGCAAACACA-3'
Protein context (NP_005742.4, residues 1656-1676): LLEELEALKQ[Leu1666Arg]SLAGREKLCC

ClinVar aggregate classification (germline): Uncertain significance (1 of 4 stars; one submission).

Conditions:
Cardiovascular phenotype. Identifiers: MedGen CN230736.

gnomAD v4.1: 2 of 1,614,058 alleles (0.00012%); highest among the groups gnomAD compares: Non-Finnish European, 0.00017%; no homozygotes.

Submission:

Ambry Genetics
Classification: Uncertain significance for Cardiovascular phenotype. Last evaluated: 2025-08-19. Review status: criteria provided, single submitter. Criteria: Ambry Variant Classification Scheme 2023. Collection method: clinical testing. Allele origin: germline.
Comment: The p.L1666R variant (also known as c.4997T>G), located in coding exon 19 of the AKAP9 gene, results from a T to G substitution at nucleotide position 4997. The leucine at codon 1666 is replaced by arginine, an amino acid with dissimilar properties. This amino acid position is conserved. In addition, this alteration is predicted to be tolerated by in silico analysis. Based on the available evidence, the clinical significance of this variant remains unclear.